The following is an entry in ClinVar:

ClinVar aggregate classification (germline): Uncertain significance (1 of 4 stars; one submission).

Submission:

Labcorp Genetics (formerly Invitae), Labcorp
Classification: Uncertain significance. Last evaluated: 2024-07-24. Review status: criteria provided, single submitter. Criteria: Invitae Variant Classification Sherloc (09022015). Collection method: clinical testing. Allele origin: germline.
Comment: This sequence change replaces phenylalanine, which is neutral and non-polar, with serine, which is neutral and polar, at codon 1732 of the USH2A protein (p.Phe1732Ser). This variant is not present in population databases (gnomAD no frequency). This variant has not been reported in the literature in individuals affected with USH2A-related conditions. ClinVar contains an entry for this variant (Variation ID: 1380992). Advanced modeling of protein sequence and biophysical properties (such as structural, functional, and spatial information, amino acid conservation, physicochemical variation, residue mobility, and thermodynamic stability) performed at Invitae indicates that this missense variant is expected to disrupt USH2A protein function with a positive predictive value of 95%. In summary, the available evidence is currently insufficient to determine the role of this variant in disease. Therefore, it has been classified as a Variant of Uncertain Significance.

NM_206933.4(USH2A):c.5195T>C (p.Phe1732Ser)

Genes: USH2A (usherin; minus strand), USH2A-AS2 (USH2A antisense RNA 2; plus strand). Cytogenetic location: 1q41.
Variant type: single nucleotide variant.
Coding change: c.5195T>C on transcript NM_206933.4 (MANE Select); coding-DNA position 5195, T replaced by C.
Protein change: p.Phe1732Ser; replaces phenylalanine 1732 with serine.
Molecular consequence: missense variant.
Genome position (GRCh38, 1-based): chr1:216,083,559, A>G on the plus strand (T>C on the coding strand, the complement: USH2A is on the minus strand). VCF-style: chr1-216083559-A-G. GRCh37 (hg19) VCF-style: chr1-216256901-A-G.
Other names: short protein forms F1732S.
Identifiers: ClinVar variation 1380992 (VCV001380992.6), dbSNP rs2102559774, ClinGen allele CA344858187.